The following is an entry in ClinVar:

NM_000038.6(APC):c.3847G>A (p.Ala1283Thr)

Gene: APC (APC regulator of Wnt signaling pathway; plus strand). Cytogenetic location: 5q22.2.
Variant type: single nucleotide variant.
Coding change: c.3847G>A on transcript NM_000038.6 (MANE Select); coding-DNA position 3847, G replaced by A.
Protein change: p.Ala1283Thr; replaces alanine 1283 with threonine.
Molecular consequence: missense variant.
Genome position (GRCh38, 1-based): chr5:112,839,441, G>A. VCF-style: chr5-112839441-G-A. GRCh37 (hg19) VCF-style: chr5-112175138-G-A.
Other names: c.3793G>A, p.Ala1265Thr (NM_001127511.3); c.3847G>A, p.Ala1283Thr (NM_001354895.2, NM_001127510.3); c.3901G>A, p.Ala1301Thr (NM_001354896.2); c.3877G>A, p.Ala1293Thr (NM_001354897.2); c.3772G>A, p.Ala1258Thr (NM_001354898.2); c.3763G>A, p.Ala1255Thr (NM_001354899.2); c.3724G>A, p.Ala1242Thr (NM_001354900.2); c.3670G>A, p.Ala1224Thr (NM_001354901.2); and 5 more; short protein forms A1265T, A1283T, A1123T, A1182T, A1242T, A1000T, A1157T, A1192T.
Identifiers: ClinVar variation 537474 (VCV000537474.14), dbSNP rs1428789824, ClinGen allele CA16029769.

ClinVar aggregate classification (germline): Uncertain significance. Review status: criteria provided, multiple submitters, no conflicts (2 of 4 stars). 3 submissions from 3 submitters: Uncertain significance (3). Last evaluated 2024-01-02.

Conditions:
Hereditary cancer-predisposing syndrome. Also called: Tumor predisposition; Hereditary Cancer Syndrome; Hereditary neoplastic syndrome; Neoplastic Syndromes, Hereditary. Identifiers: Orphanet 140162, MedGen C0027672, MeSH D009386, MONDO:0015356.
Familial adenomatous polyposis 1 (FAP1). Also called: FAMILIAL ADENOMATOUS POLYPOSIS 1, ATTENUATED; POLYPOSIS, ADENOMATOUS INTESTINAL. Identifiers: MedGen C2713442, MONDO:0021056, OMIM 175100. Disease mechanism: loss of function.

Allele frequency attached by ClinVar (database versions not stated): TOPMed below 0.00001; gnomAD 0.00001.
gnomAD v4.1: 1 of 1,613,998 alleles (0.000062%); highest among the groups gnomAD compares: East Asian, 0.0022%; no homozygotes.

Submissions (3):

Color Diagnostics, LLC DBA Color Health
Classification: Uncertain significance for Hereditary cancer-predisposing syndrome. Last evaluated: 2024-01-02. Review status: criteria provided, single submitter. Criteria: ACMG Guidelines, 2015. Collection method: clinical testing. Allele origin: germline.
Comment: This missense variant replaces alanine with threonine at codon 1283 of the APC protein. Computational prediction suggests that this variant may not impact protein structure and function (internally defined REVEL score threshold <= 0.5, PMID: 27666373). To our knowledge, functional studies have not been reported for this variant. This variant has not been reported in individuals affected with APC-related disorders in the literature. This variant has not been identified in the general population by the Genome Aggregation Database (gnomAD). The available evidence is insufficient to determine the role of this variant in disease conclusively. Therefore, this variant is classified as a Variant of Uncertain Significance.

Ambry Genetics
Classification: Uncertain significance for Hereditary cancer-predisposing syndrome. Last evaluated: 2023-08-23. Review status: criteria provided, single submitter. Criteria: Ambry Variant Classification Scheme 2023. Collection method: clinical testing. Allele origin: germline.
Comment: The p.A1283T variant (also known as c.3847G>A), located in coding exon 15 of the APC gene, results from a G to A substitution at nucleotide position 3847. The alanine at codon 1283 is replaced by threonine, an amino acid with similar properties. This amino acid position is well conserved in available vertebrate species. In addition, in silico predictors for this gene do not accurately predict pathogenicity. Since supporting evidence is limited at this time, the clinical significance of this alteration remains unclear.

Labcorp Genetics (formerly Invitae), Labcorp
Classification: Uncertain significance for Familial adenomatous polyposis 1. Last evaluated: 2022-03-05. Review status: criteria provided, single submitter. Criteria: Invitae Variant Classification Sherloc (09022015). Collection method: clinical testing. Allele origin: germline.
Comment: This sequence change replaces alanine, which is neutral and non-polar, with threonine, which is neutral and polar, at codon 1283 of the APC protein (p.Ala1283Thr). This variant is not present in population databases (gnomAD no frequency). This variant has not been reported in the literature in individuals affected with APC-related conditions. ClinVar contains an entry for this variant (Variation ID: 537474). Algorithms developed to predict the effect of missense changes on protein structure and function are either unavailable or do not agree on the potential impact of this missense change (SIFT: "Deleterious"; PolyPhen-2: "Possibly Damaging"; Align-GVGD: "Class C0"). In summary, the available evidence is currently insufficient to determine the role of this variant in disease. Therefore, it has been classified as a Variant of Uncertain Significance.